The following is an entry in ClinVar:

NM_000352.6(ABCC8):c.4177C>T (p.Arg1393Cys)

Gene: ABCC8 (ATP binding cassette subfamily C member 8; minus strand). Cytogenetic location: 11p15.1.
Variant type: single nucleotide variant.
Coding change: c.4177C>T on transcript NM_000352.6 (MANE Select); coding-DNA position 4177, C replaced by T.
Protein change: p.Arg1393Cys; replaces arginine 1393 with cysteine.
Molecular consequence: missense variant. On other transcripts: non-coding transcript variant (1).
Genome position (GRCh38, 1-based): chr11:17,395,873, G>A on the plus strand (C>T on the coding strand, the complement: ABCC8 is on the minus strand). VCF-style: chr11-17395873-G-A. GRCh37 (hg19) VCF-style: chr11-17417420-G-A.
Other names: c.4177C>T (NM_000352.4); c.4180C>T, p.Arg1394Cys (NM_001287174.3); c.4243C>T, p.Arg1415Cys (NM_001351295.2); c.4177C>T, p.Arg1393Cys (NM_001351296.2); c.4174C>T, p.Arg1392Cys (NM_001351297.2); short protein forms R1392C, R1393C, R1394C, R1415C.
Identifiers: ClinVar variation 2418967 (VCV002418967.11), dbSNP rs776610373, ClinGen allele CA5902548.
Genomic context (GRCh38, chr11:17,395,873, plus strand): 5'-GGCTGTGGGTACACGTGGGGTGCCCGCCTTACAACTCACCTTCGAACGTGTCCACCATGC[G>A]GAAGAAGGCAAGAGAGAAGGAGGACTTCCCACTGCCGGTGCGGCCGCAGATCCCGATCTG-3'
Protein context (NP_000343.2, residues 1383-1403): GKSSFSLAFF[Arg1393Cys]MVDTFEGHII

ClinVar aggregate classification (germline): Pathogenic/Likely pathogenic. Review status: criteria provided, multiple submitters, no conflicts (2 of 4 stars). 5 submissions from 5 submitters: Pathogenic (1); Likely pathogenic (4). Last evaluated 2025-12-17.

Conditions:
Diabetes mellitus, transient neonatal, 2 (TNDM2). Identifiers: Orphanet 99886, MedGen C1835887, MONDO:0012480, OMIM 610374. Disease mechanism: loss of function.
Type 2 diabetes mellitus. Also called: Type II diabetes mellitus. Identifiers: MedGen C0011860, MeSH D003924, MONDO:0005148, OMIM 125853, HP:0005978.
Hyperinsulinemic hypoglycemia, familial, 1 (HHF1). Also called: Persistent hyperinsulinemic hypoglycemia of infancy; Persistent Hyperinsulinemia Hypoglycemia of Infancy; HYPERINSULINISM, FAMILIAL, WITH PANCREATIC NESIDIOBLASTOSIS; HYPOGLYCEMIA, HYPERINSULINEMIC, OF INFANCY; NESIDIOBLASTOSIS OF PANCREAS. Identifiers: Orphanet 276575, Orphanet 276598, MedGen C2931832, MONDO:0009734, OMIM 256450.
Leucine-induced hypoglycemia (LIH). Also called: LEUCINE-SENSITIVE HYPOGLYCEMIA OF INFANCY. Identifiers: MedGen C0271714, MONDO:0009415, OMIM 240800.
Diabetes mellitus, permanent neonatal 3. Also called: ABCC8-Related Permanent Neonatal Diabetes Mellitus. Identifiers: MedGen C5394303, MONDO:0030088, OMIM 618857.
Hereditary hyperinsulinism.
ABCC8-related disorder.

Allele frequency attached by ClinVar (database versions not stated): gnomAD exomes 0.00001.
gnomAD v4.1: 8 of 1,588,138 alleles (0.0005%); highest among the groups gnomAD compares: Non-Finnish European, 0.00069%; no homozygotes.

Submissions (6):

Natera, Inc.
Classification: Likely pathogenic for Hereditary hyperinsulinism. Last evaluated: 2025-12-17. Review status: criteria provided, single submitter. Criteria: Natera Variant Classification Schema (03/2026). Collection method: clinical testing. Allele origin: germline.
Comment: The c.4177C>T variant in ABCC8 is a missense variant predicted to cause substitution of arginine to cysteine at amino acid 1393. This variant is rare in the general population with a frequency below the threshold expected for the associated phenotype(s). This variant has been observed in one or more individuals affected with the associated recessive disease, as either homozygous or compound heterozygous with a second variant (PMID: 38033998). A different variant at the same position has been determined to be Pathogenic or Likely Pathogenic. Computational prediction algorithms indicate this variant is likely to affect gene or protein function. Given the available evidence, this variant is classified as Likely Pathogenic.

Blueprint Genetics
Classification: Likely pathogenic for ABCC8-related disorders. Last evaluated: 2024-05-17. Review status: criteria provided, single submitter. Criteria: ACMG Guidelines, 2015. Collection method: clinical testing. Allele origin: germline. Affected: yes. Observed: 2 variant alleles.

Labcorp Genetics (formerly Invitae), Labcorp
Classification: Pathogenic. Last evaluated: 2024-03-01. Review status: criteria provided, single submitter. Criteria: Invitae Variant Classification Sherloc (09022015). Collection method: clinical testing. Allele origin: germline.
Comment: This sequence change replaces arginine, which is basic and polar, with cysteine, which is neutral and slightly polar, at codon 1393 of the ABCC8 protein (p.Arg1393Cys). This variant is not present in population databases (gnomAD no frequency). This missense change has been observed in individual(s) with autosomal recessive ABCC8-related conditions (Invitae). In at least one individual the data is consistent with being in trans (on the opposite chromosome) from a pathogenic variant. ClinVar contains an entry for this variant (Variation ID: 2418967). Advanced modeling of protein sequence and biophysical properties (such as structural, functional, and spatial information, amino acid conservation, physicochemical variation, residue mobility, and thermodynamic stability) performed at Invitae indicates that this missense variant is expected to disrupt ABCC8 protein function with a positive predictive value of 95%. This variant disrupts the p.Arg1393 amino acid residue in ABCC8. Other variant(s) that disrupt this residue have been determined to be pathogenic (PMID: 26180531, 26208381, 28442472). This suggests that this residue is clinically significant, and that variants that disrupt this residue are likely to be disease-causing. For these reasons, this variant has been classified as Pathogenic.

Fulgent Genetics
Classification: Likely pathogenic for Type 2 diabetes mellitus; Leucine-induced hypoglycemia; Hyperinsulinemic hypoglycemia, familial, 1; Diabetes mellitus, transient neonatal, 2; Diabetes mellitus, permanent neonatal 3. Last evaluated: 2024-01-24. Review status: criteria provided, single submitter. Criteria: ACMG Guidelines, 2015. Collection method: clinical testing. Allele origin: germline.

Baylor Genetics
Classification: Likely pathogenic for Type 2 diabetes mellitus. Last evaluated: 2023-04-24. Review status: criteria provided, single submitter. Criteria: ACMG Guidelines, 2015. Collection method: clinical testing. Allele origin: unknown.

Dr. Peter K. Rogan Lab, Western University
No classification provided (evidence only). Condition: Uterine corpus endometrial carcinoma. Review status: no classification provided. Collection method: in vitro. Allele origin: not applicable. Functional consequence: retained intron. Not counted in ClinVar's aggregate classification.

Literature cited by the submitters: PubMed 38033998 (cited by Natera, Inc.); PubMed 26180531 (cited by Labcorp Genetics (formerly Invitae), Labcorp); PubMed 26208381 (cited by Labcorp Genetics (formerly Invitae), Labcorp); PubMed 28442472 (cited by Labcorp Genetics (formerly Invitae), Labcorp).